The following is an entry in ClinVar:

NM_006648.4(WNK2):c.19C>T (p.Arg7Cys)

Gene: WNK2 (WNK lysine deficient protein kinase 2; plus strand). Cytogenetic location: 9q22.31.
Variant type: single nucleotide variant.
Coding change: c.19C>T on transcript NM_006648.4 (MANE Select); coding-DNA position 19, C replaced by T.
Protein change: p.Arg7Cys; replaces arginine 7 with cysteine.
Molecular consequence: missense variant.
Genome position (GRCh38, 1-based): chr9:93,184,948, C>T. VCF-style: chr9-93184948-C-T. GRCh37 (hg19) VCF-style: chr9-95947230-C-T.
Other names: c.19C>T, p.Arg7Cys (NM_001282394.3); short protein forms R7C.
Identifiers: ClinVar variation 4201716 (VCV004201716.1).

ClinVar aggregate classification (germline): Uncertain significance (1 of 4 stars; one submission).

Submission:

Ambry Genetics
Classification: Uncertain significance. Last evaluated: 2025-08-08. Review status: criteria provided, single submitter. Criteria: Ambry Variant Classification Scheme 2023. Collection method: clinical testing. Allele origin: germline.
Comment: The p.R7C variant (also known as c.19C>T), located in coding exon 1 of the WNK2 gene, results from a C to T substitution at nucleotide position 19. The arginine at codon 7 is replaced by cysteine, an amino acid with highly dissimilar properties. This amino acid position is conserved. In addition, this alteration is predicted to be tolerated by in silico analysis. Based on the available evidence, the clinical significance of this variant remains unclear.